The following is an entry in ClinVar:

ClinVar aggregate classification (germline): Benign (0 of 4 stars; one submission).

Conditions:
TNS1-related disorder. Also called: TNS1-related condition.

Allele frequency attached by ClinVar (database versions not stated): gnomAD exomes 0.32211; ExAC 0.34544; ESP Exome Variant Server 0.38513; TOPMed 0.38591; gnomAD 0.38634; 1000 Genomes Project 0.41334; 1000 Genomes Project 30x 0.41396.
gnomAD v4.1: 531,164 of 1,613,890 alleles (33%); highest among the groups gnomAD compares: African/African-American, 56%; 91,132 homozygotes.

Submission:

PreventionGenetics, part of Exact Sciences
Classification: Benign for TNS1-related condition. Last evaluated: 2019-10-28. Review status: no assertion criteria provided. Collection method: clinical testing. Allele origin: germline.
Comment: This variant is classified as benign based on ACMG/AMP sequence variant interpretation guidelines (Richards et al. 2015 PMID: 25741868, with internal and published modifications).

NM_001387777.1(TNS1):c.1958C>T (p.Thr653Ile)

Gene: TNS1 (tensin 1; minus strand). Cytogenetic location: 2q35.
Variant type: single nucleotide variant.
Coding change: c.1958C>T on transcript NM_001387777.1 (MANE Select); coding-DNA position 1958, C replaced by T.
Protein change: p.Thr653Ile; replaces threonine 653 with isoleucine.
Molecular consequence: missense variant.
Genome position (GRCh38, 1-based): chr2:217,848,559, G>A on the plus strand (C>T on the coding strand, the complement: TNS1 is on the minus strand). VCF-style: chr2-217848559-G-A. GRCh37 (hg19) VCF-style: chr2-218713282-G-A.
Other names: c.1583C>T, p.Thr528Ile (NM_001308022.2, NM_001308023.2, NM_022648.7); short protein forms T528I, T653I.
Identifiers: ClinVar variation 3059089 (VCV003059089.2), dbSNP rs3796033, ClinGen allele CA2100351.